The following is an entry in ClinVar:

NM_001903.5(CTNNA1):c.941G>A (p.Ser314Asn)

Gene: CTNNA1 (catenin alpha 1; plus strand). Cytogenetic location: 5q31.2.
Variant type: single nucleotide variant.
Coding change: c.941G>A on transcript NM_001903.5 (MANE Select); coding-DNA position 941, G replaced by A.
Protein change: p.Ser314Asn; replaces serine 314 with asparagine.
Molecular consequence: missense variant.
Genome position (GRCh38, 1-based): chr5:138,827,597, G>A. VCF-style: chr5-138827597-G-A. GRCh37 (hg19) VCF-style: chr5-138163286-G-A.
Other names: c.941G>A, p.Ser314Asn (NM_001290307.3, NM_001323982.2, NM_001323983.1 and 3 more transcripts); c.632G>A, p.Ser211Asn (NM_001290309.3); c.572G>A, p.Ser191Asn (NM_001290310.3); c.941G>A (NM_001903.2); short protein forms S191N, S211N, S314N.
Identifiers: ClinVar variation 4796837 (VCV004796837.2).

ClinVar aggregate classification (germline): Uncertain significance. Review status: criteria provided, multiple submitters, no conflicts (2 of 4 stars). 2 submissions from 2 submitters: Uncertain significance (2). Last evaluated 2026-04-28.

Conditions:
Hereditary cancer-predisposing syndrome. Also called: Hereditary neoplastic syndrome; Neoplastic Syndromes, Hereditary; Tumor predisposition; Hereditary Cancer Syndrome. Identifiers: Orphanet 140162, MedGen C0027672, MeSH D009386, MONDO:0015356.

Submissions (2):

Ambry Genetics
Classification: Uncertain significance for Hereditary cancer-predisposing syndrome. Last evaluated: 2026-04-28. Review status: criteria provided, single submitter. Criteria: Ambry Variant Classification Scheme 2023. Collection method: clinical testing. Allele origin: germline.
Comment: The p.S314N variant (also known as c.941G>A), located in coding exon 6 of the CTNNA1 gene, results from a G to A substitution at nucleotide position 941. The serine at codon 314 is replaced by asparagine, an amino acid with highly similar properties. This amino acid position is conserved. In addition, this alteration is predicted to be tolerated by in silico analysis. Based on the available evidence, the clinical significance of this variant remains unclear.

Labcorp Genetics (formerly Invitae), Labcorp
Classification: Uncertain significance. Last evaluated: 2025-05-05. Review status: criteria provided, single submitter. Criteria: Invitae Variant Classification Sherloc (09022015). Collection method: clinical testing. Allele origin: germline.
Comment: This sequence change replaces serine, which is neutral and polar, with asparagine, which is neutral and polar, at codon 314 of the CTNNA1 protein (p.Ser314Asn). This variant is not present in population databases (gnomAD no frequency). This variant has not been reported in the literature in individuals affected with CTNNA1-related conditions. Invitae Evidence Modeling of protein sequence and biophysical properties (such as structural, functional, and spatial information, amino acid conservation, physicochemical variation, residue mobility, and thermodynamic stability) indicates that this missense variant is not expected to disrupt CTNNA1 protein function with a negative predictive value of 80%. In summary, the available evidence is currently insufficient to determine the role of this variant in disease. Therefore, it has been classified as a Variant of Uncertain Significance.